The following is an entry in ClinVar:

ClinVar aggregate classification (germline): Uncertain significance. Review status: criteria provided, multiple submitters, no conflicts (2 of 4 stars). 2 submissions from 2 submitters: Uncertain significance (2). Last evaluated 2023-07-18.

Conditions:
Cardiovascular phenotype. Identifiers: MedGen CN230736.
RASopathy. Also called: Noonan spectrum disorder; rasopathies. Identifiers: Orphanet 536391, MedGen C5555857, MONDO:0021060.

Allele frequency attached by ClinVar (database versions not stated): gnomAD exomes below 0.00001.
gnomAD v4.1: 4 of 1,614,166 alleles (0.00025%); highest among the groups gnomAD compares: Non-Finnish European, 0.00025%; no homozygotes.

Submissions (2):

Labcorp Genetics (formerly Invitae), Labcorp
Classification: Uncertain significance for RASopathy. Last evaluated: 2023-07-18. Review status: criteria provided, single submitter. Criteria: Invitae Variant Classification Sherloc (09022015). Collection method: clinical testing. Allele origin: germline.
Comment: This sequence change replaces isoleucine, which is neutral and non-polar, with threonine, which is neutral and polar, at codon 793 of the CBL protein (p.Ile793Thr). This variant is not present in population databases (gnomAD no frequency). This variant has not been reported in the literature in individuals affected with CBL-related conditions. ClinVar contains an entry for this variant (Variation ID: 2179631). Advanced modeling of protein sequence and biophysical properties (such as structural, functional, and spatial information, amino acid conservation, physicochemical variation, residue mobility, and thermodynamic stability) performed at Invitae indicates that this missense variant is not expected to disrupt CBL protein function. In summary, the available evidence is currently insufficient to determine the role of this variant in disease. Therefore, it has been classified as a Variant of Uncertain Significance.

Ambry Genetics
Classification: Uncertain significance for Cardiovascular phenotype. Last evaluated: 2022-11-07. Review status: criteria provided, single submitter. Criteria: Ambry Variant Classification Scheme 2023. Collection method: clinical testing. Allele origin: germline.
Comment: The p.I793T variant (also known as c.2378T>C), located in coding exon 15 of the CBL gene, results from a T to C substitution at nucleotide position 2378. The isoleucine at codon 793 is replaced by threonine, an amino acid with similar properties. This amino acid position is conserved. In addition, the in silico prediction for this alteration is inconclusive. Since supporting evidence is limited at this time, the clinical significance of this alteration remains unclear.

NM_005188.4(CBL):c.2378T>C (p.Ile793Thr)

Gene: CBL (Cbl proto-oncogene; plus strand). Cytogenetic location: 11q23.3.
Variant type: single nucleotide variant.
Coding change: c.2378T>C on transcript NM_005188.4 (MANE Select); coding-DNA position 2378, T replaced by C.
Protein change: p.Ile793Thr; replaces isoleucine 793 with threonine.
Molecular consequence: missense variant.
Genome position (GRCh38, 1-based): chr11:119,298,484, T>C. VCF-style: chr11-119298484-T-C. GRCh37 (hg19) VCF-style: chr11-119169194-T-C.
Other names: c.2378T>C (NM_005188.2); short protein forms I793T.
Identifiers: ClinVar variation 2179631 (VCV002179631.6), dbSNP rs1950078776, ClinGen allele CA382929823.